The following is an entry in ClinVar:

ClinVar aggregate classification (germline): Conflicting classifications of pathogenicity. Review status: criteria provided, conflicting classifications (1 of 4 stars). 16 submissions from 16 submitters: Uncertain significance (2); Benign (3); Likely benign (7). 4 of the submissions do not count toward it. Last evaluated 2026-03-01.

Conditions:
Inborn genetic diseases. Identifiers: MedGen C0950123, MeSH D030342.
ATP7B-related disorder. Also called: ATP7B-related condition.
Wilson disease (WND). Also called: Wilson's disease. Identifiers: Orphanet 905, MedGen C0019202, MONDO:0010200, OMIM 277900. Disease mechanism: loss of function.

Allele frequency attached by ClinVar (database versions not stated): gnomAD exomes 0.00021 and 0.00050; ExAC 0.00060; ESP Exome Variant Server 0.00162; gnomAD 0.00218 and 0.00227; TOPMed 0.00223; 1000 Genomes Project 30x 0.00328; 1000 Genomes Project 0.00339.
gnomAD v4.1: 646 of 1,613,986 alleles (0.04%); highest among the groups gnomAD compares: African/African-American, 0.74%; 4 homozygotes.

Submissions (16):

CeGaT Center for Human Genetics Tuebingen
Classification: Likely benign. Last evaluated: 2026-03-01. Review status: criteria provided, single submitter. Criteria: CeGaT Center For Human Genetics Tuebingen Variant Classification Criteria Version 2. Collection method: clinical testing. Allele origin: germline. Affected: yes. Observed: 3 variant alleles.
Comment: ATP7B: BP4, BP7

Labcorp Genetics (formerly Invitae), Labcorp
Classification: Benign for Wilson disease. Last evaluated: 2026-01-28. Review status: criteria provided, single submitter. Criteria: Invitae Variant Classification Sherloc (09022015). Collection method: clinical testing. Allele origin: germline.

Blueprint Genetics
Classification: Likely benign. Last evaluated: 2024-11-04. Review status: criteria provided, single submitter. Criteria: ACMG Guidelines, 2015. Collection method: clinical testing. Allele origin: germline.

All of Us Research Program, National Institutes of Health
Classification: Benign for Wilson disease. Last evaluated: 2024-02-05. Review status: criteria provided, single submitter. Criteria: ACMG Guidelines, 2015. Collection method: clinical testing. Allele origin: germline. Inheritance: Autosomal recessive inheritance. Observed: 130 variant alleles, 130 heterozygotes.
Comment: This study involves interpretation of variants in research participants for the purpose of population health screening. Participant phenotype was not available at the time of variant classification. Additional details can be found in publication PMID: 35346344, PMCID: PMC8962531

Women's Health and Genetics/Laboratory Corporation of America, LabCorp
Classification: Likely benign. Last evaluated: 2022-12-24. Review status: criteria provided, single submitter. Criteria: LabCorp Variant Classification Summary - May 2015. Collection method: clinical testing. Allele origin: germline.

Color Diagnostics, LLC DBA Color Health
Classification: Benign for Wilson disease. Last evaluated: 2022-06-15. Review status: criteria provided, single submitter. Criteria: ACMG Guidelines, 2015. Collection method: clinical testing. Allele origin: germline.

Ambry Genetics
Classification: Likely benign for Inborn genetic diseases. Last evaluated: 2022-03-07. Review status: criteria provided, single submitter. Criteria: Ambry Variant Classification Scheme 2023. Collection method: clinical testing. Allele origin: germline.

Genome-Nilou Lab
Classification: Likely benign for Wilson disease. Last evaluated: 2021-08-10. Review status: criteria provided, single submitter. Criteria: ACMG Guidelines, 2015. Collection method: clinical testing. Allele origin: germline. Affected: no.

GeneDx
Classification: Likely benign. Last evaluated: 2020-09-03. Review status: criteria provided, single submitter. Criteria: GeneDx Variant Classification Process June 2021. Collection method: clinical testing. Allele origin: germline. Affected: yes.

Illumina Laboratory Services, Illumina
Classification: Uncertain significance for Wilson disease. Last evaluated: 2019-06-26. Review status: criteria provided, single submitter. Criteria: ICSL Variant Classification Criteria 13 December 2019. Collection method: clinical testing. Allele origin: germline.

ARUP Laboratories, Molecular Genetics and Genomics, ARUP Laboratories
Classification: Likely benign. Last evaluated: 2017-08-22. Review status: criteria provided, single submitter. Criteria: ARUP Molecular Germline Variant Investigation Process. Collection method: clinical testing. Allele origin: germline.

Eurofins Ntd Llc (ga)
Classification: Uncertain significance. Last evaluated: 2016-02-16. Review status: criteria provided, single submitter. Criteria: EGL Classification Definitions 2015. Collection method: clinical testing. Allele origin: germline. Observed: 1 variant allele, 1 heterozygote.

PreventionGenetics, part of Exact Sciences
Classification: Likely benign for ATP7B-related condition. Last evaluated: 2019-12-04. Review status: no assertion criteria provided. Collection method: clinical testing. Allele origin: germline. Not counted in ClinVar's aggregate classification.
Comment: This variant is classified as likely benign based on ACMG/AMP sequence variant interpretation guidelines (Richards et al. 2015 PMID: 25741868, with internal and published modifications).

Natera, Inc.
Classification: Benign for Wilson disease. Last evaluated: 2019-10-21. Review status: no assertion criteria provided. Collection method: clinical testing. Allele origin: germline. Not counted in ClinVar's aggregate classification.

Clinical Genetics DNA and cytogenetics Diagnostics Lab, Erasmus MC, Erasmus Medical Center
Classification: Likely benign. Review status: no assertion criteria provided. Collection method: clinical testing. Allele origin: germline. Affected: yes. Study: VKGL Data-share Consensus. Not counted in ClinVar's aggregate classification.

Genome Diagnostics Laboratory, University Medical Center Utrecht
Classification: Likely benign. Review status: no assertion criteria provided. Collection method: clinical testing. Allele origin: germline. Affected: yes. Study: VKGL Data-share Consensus. Not counted in ClinVar's aggregate classification.

NM_000053.4(ATP7B):c.2955C>T (p.Cys985=)

Gene: ATP7B (ATPase copper transporting beta; minus strand). Cytogenetic location: 13q14.3.
Variant type: single nucleotide variant.
Coding change: c.2955C>T on transcript NM_000053.4 (MANE Select); coding-DNA position 2955, C replaced by T.
Protein change: p.Cys985=; no amino-acid change (cysteine 985 retained).
Molecular consequence: synonymous variant.
Genome position (GRCh38, 1-based): chr13:51,946,389, G>A on the plus strand (C>T on the coding strand, the complement: ATP7B is on the minus strand). VCF-style: chr13-51946389-G-A. GRCh37 (hg19) VCF-style: chr13-52520525-G-A.
Other names: c.2334C>T, p.Cys778= (NM_001005918.3); c.2622C>T, p.Cys874= (NM_001243182.2); c.2721C>T, p.Cys907= (NM_001330578.2); c.2703C>T, p.Cys901= (NM_001330579.2).
Identifiers: ClinVar variation 285883 (VCV000285883.64), dbSNP rs116587608, ClinGen allele CA6988855.
Genomic context (GRCh38, chr13:51,946,389, plus strand): 5'-GTTCTGCGCGGCCACCCCGGTGCCCACCATGACAGCCGTGGGCGTGGCCAGCCCCAGGGA[G>A]CAGGGGCAGGCAATGCACAGCACCGTGATGGACGTCTGGAAAGCAAACCGGATGATCACC-3'
Protein context (NP_000044.2, residues 975-995): SITVLCIACP[Cys985=]SLGLATPTAV